The following is an entry in ClinVar:

ClinVar aggregate classification (germline): Uncertain significance. Review status: criteria provided, multiple submitters, no conflicts (2 of 4 stars). 2 submissions from 2 submitters: Uncertain significance (2). Last evaluated 2025-04-30.

gnomAD v4.1: 5 of 1,605,340 alleles (0.00031%); highest among the groups gnomAD compares: Non-Finnish European, 0.00043%; no homozygotes.

Submissions (2):

GeneDx
Classification: Uncertain significance. Last evaluated: 2025-04-30. Review status: criteria provided, single submitter. Criteria: GeneDx Variant Classification Process June 2021. Collection method: clinical testing. Allele origin: germline. Affected: yes.
Comment: Not observed at significant frequency in large population cohorts (gnomAD); In silico analysis indicates that this missense variant does not alter protein structure/function; Has not been previously published as pathogenic or benign to our knowledge

Labcorp Genetics (formerly Invitae), Labcorp
Classification: Uncertain significance. Last evaluated: 2024-10-27. Review status: criteria provided, single submitter. Criteria: Invitae Variant Classification Sherloc (09022015). Collection method: clinical testing. Allele origin: germline.
Comment: This sequence change replaces alanine, which is neutral and non-polar, with threonine, which is neutral and polar, at codon 291 of the ADCY5 protein (p.Ala291Thr). This variant is not present in population databases (gnomAD no frequency). This variant has not been reported in the literature in individuals affected with ADCY5-related conditions. Invitae Evidence Modeling of protein sequence and biophysical properties (such as structural, functional, and spatial information, amino acid conservation, physicochemical variation, residue mobility, and thermodynamic stability) indicates that this missense variant is not expected to disrupt ADCY5 protein function with a negative predictive value of 95%. In summary, the available evidence is currently insufficient to determine the role of this variant in disease. Therefore, it has been classified as a Variant of Uncertain Significance.

NM_183357.3(ADCY5):c.871G>A (p.Ala291Thr)

Gene: ADCY5 (adenylate cyclase 5; minus strand). Cytogenetic location: 3q21.1.
Variant type: single nucleotide variant.
Coding change: c.871G>A on transcript NM_183357.3 (MANE Select); coding-DNA position 871, G replaced by A.
Protein change: p.Ala291Thr; replaces alanine 291 with threonine.
Molecular consequence: missense variant.
Genome position (GRCh38, 1-based): chr3:123,447,675, C>T on the plus strand (G>A on the coding strand, the complement: ADCY5 is on the minus strand). VCF-style: chr3-123447675-C-T. GRCh37 (hg19) VCF-style: chr3-123166522-C-T.
Other names: c.871G>A, p.Ala291Thr (NM_001378259.1); c.871G>A (NM_183357.2); short protein forms A291T.
Identifiers: ClinVar variation 2989198 (VCV002989198.4), dbSNP rs1945848122, ClinGen allele CA354356427.